The following is an entry in ClinVar:

NM_018109.4(MTPAP):c.1640A>G (p.Asn547Ser)

Gene: MTPAP (mitochondrial poly(A) polymerase; minus strand). Cytogenetic location: 10p11.23.
Variant type: single nucleotide variant.
Coding change: c.1640A>G on transcript NM_018109.4 (MANE Select); coding-DNA position 1640, A replaced by G.
Protein change: p.Asn547Ser; replaces asparagine 547 with serine.
Molecular consequence: missense variant.
Genome position (GRCh38, 1-based): chr10:30,313,718, T>C on the plus strand (A>G on the coding strand, the complement: MTPAP is on the minus strand). VCF-style: chr10-30313718-T-C. GRCh37 (hg19) VCF-style: chr10-30602647-T-C.
Other names: short protein forms N547S.
Identifiers: ClinVar variation 506930 (VCV000506930.3), dbSNP rs372811219, ClinGen allele CA5458914.

ClinVar aggregate classification (germline): Conflicting classifications of pathogenicity. Review status: criteria provided, conflicting classifications (1 of 4 stars). 2 submissions from 2 submitters: Uncertain significance (1); Likely benign (1). Last evaluated 2022-04-11.

Allele frequency attached by ClinVar (database versions not stated): ExAC 0.00001; gnomAD 0.00002; gnomAD exomes 0.00002 and 0.00006; TOPMed 0.00003; ESP Exome Variant Server 0.00008.
gnomAD v4.1: 89 of 1,614,122 alleles (0.0055%); highest among the groups gnomAD compares: Middle Eastern, 0.74%; 3 homozygotes.

Submissions (2):

Labcorp Genetics (formerly Invitae), Labcorp
Classification: Uncertain significance. Last evaluated: 2022-04-11. Review status: criteria provided, single submitter. Criteria: Invitae Variant Classification Sherloc (09022015). Collection method: clinical testing. Allele origin: germline.
Comment: This variant has not been reported in the literature in individuals affected with MTPAP-related conditions. This variant is present in population databases (rs372811219, gnomAD 0.004%). This sequence change replaces asparagine, which is neutral and polar, with serine, which is neutral and polar, at codon 547 of the MTPAP protein (p.Asn547Ser). ClinVar contains an entry for this variant (Variation ID: 506930). In summary, the available evidence is currently insufficient to determine the role of this variant in disease. Therefore, it has been classified as a Variant of Uncertain Significance. Algorithms developed to predict the effect of sequence changes on RNA splicing suggest that this variant may create or strengthen a splice site. Algorithms developed to predict the effect of missense changes on protein structure and function (SIFT, PolyPhen-2, Align-GVGD) all suggest that this variant is likely to be tolerated.

GeneDx
Classification: Likely benign. Last evaluated: 2017-01-24. Review status: criteria provided, single submitter. Criteria: GeneDx Variant Classification (06012015). Collection method: clinical testing. Allele origin: germline. Affected: yes.
Comment: This variant is considered likely benign or benign based on one or more of the following criteria: it is a conservative change, it occurs at a poorly conserved position in the protein, it is predicted to be benign by multiple in silico algorithms, and/or has population frequency not consistent with disease.